The following is an entry in ClinVar:

NM_004655.4(AXIN2):c.590T>G (p.Leu197Arg)

Gene: AXIN2 (axin 2; minus strand). Cytogenetic location: 17q24.1.
Variant type: single nucleotide variant.
Coding change: c.590T>G on transcript NM_004655.4 (MANE Select); coding-DNA position 590, T replaced by G.
Protein change: p.Leu197Arg; replaces leucine 197 with arginine.
Molecular consequence: missense variant.
Genome position (GRCh38, 1-based): chr17:65,558,031, A>C on the plus strand (T>G on the coding strand, the complement: AXIN2 is on the minus strand). VCF-style: chr17-65558031-A-C. GRCh37 (hg19) VCF-style: chr17-63554149-A-C.
Other names: c.590T>G, p.Leu197Arg (NM_001363813.1); short protein forms L197R.
Identifiers: ClinVar variation 855166 (VCV000855166.14), dbSNP rs2044297524, ClinGen allele CA400680760.

ClinVar aggregate classification (germline): Uncertain significance. Review status: criteria provided, multiple submitters, no conflicts (2 of 4 stars). 3 submissions from 3 submitters: Uncertain significance (3). Last evaluated 2025-08-08.

Conditions:
Colorectal cancer. Also called: Colorectal cancer, somatic; Malignant Colorectal Neoplasm. Identifiers: MedGen C0346629, MONDO:0005575, OMIM 114500.
Hereditary cancer-predisposing syndrome. Also called: Neoplastic Syndromes, Hereditary; Hereditary Cancer Syndrome; Tumor predisposition; Hereditary neoplastic syndrome. Identifiers: Orphanet 140162, MedGen C0027672, MeSH D009386, MONDO:0015356.
Oligodontia-cancer predisposition syndrome. Also called: TOOTH AGENESIS-COLORECTAL CANCER SYNDROME. Identifiers: Orphanet 300576, MedGen C1837750, MONDO:0012075, OMIM 608615. Disease mechanism: loss of function.

Allele frequency attached by ClinVar (database versions not stated): gnomAD exomes below 0.00001.

Submissions (3):

Ambry Genetics
Classification: Uncertain significance for Hereditary cancer-predisposing syndrome. Last evaluated: 2025-08-08. Review status: criteria provided, single submitter. Criteria: Ambry Variant Classification Scheme 2023. Collection method: clinical testing. Allele origin: germline.
Comment: The p.L197R variant (also known as c.590T>G), located in coding exon 1 of the AXIN2 gene, results from a T to G substitution at nucleotide position 590. The leucine at codon 197 is replaced by arginine, an amino acid with dissimilar properties. This amino acid position is highly conserved in available vertebrate species. In addition, the in silico prediction for this alteration is inconclusive. Based on the available evidence, the clinical significance of this variant remains unclear.

Labcorp Genetics (formerly Invitae), Labcorp
Classification: Uncertain significance for Oligodontia-cancer predisposition syndrome. Last evaluated: 2024-12-28. Review status: criteria provided, single submitter. Criteria: Invitae Variant Classification Sherloc (09022015). Collection method: clinical testing. Allele origin: germline.
Comment: This sequence change replaces leucine, which is neutral and non-polar, with arginine, which is basic and polar, at codon 197 of the AXIN2 protein (p.Leu197Arg). This variant is not present in population databases (gnomAD no frequency). This variant has not been reported in the literature in individuals affected with AXIN2-related conditions. ClinVar contains an entry for this variant (Variation ID: 855166). Invitae Evidence Modeling of protein sequence and biophysical properties (such as structural, functional, and spatial information, amino acid conservation, physicochemical variation, residue mobility, and thermodynamic stability) has been performed for this missense variant. However, the output from this modeling did not meet the statistical confidence thresholds required to predict the impact of this variant on AXIN2 protein function. In summary, the available evidence is currently insufficient to determine the role of this variant in disease. Therefore, it has been classified as a Variant of Uncertain Significance.

Baylor Genetics
Classification: Uncertain significance for Colorectal cancer. Last evaluated: 2023-06-19. Review status: criteria provided, single submitter. Criteria: ACMG Guidelines, 2015. Collection method: clinical testing. Allele origin: unknown.